The following is an entry in ClinVar:

ClinVar aggregate classification (germline): Uncertain significance (1 of 4 stars; one submission).

Submission:

GeneDx
Classification: Uncertain significance. Last evaluated: 2024-09-11. Review status: criteria provided, single submitter. Criteria: GeneDx Variant Classification Process June 2021. Collection method: clinical testing. Allele origin: germline. Affected: yes.
Comment: Not observed at significant frequency in large population cohorts (gnomAD); Nonsense variant predicted to result in protein truncation or nonsense mediated decay in a gene or region of a gene for which loss of function is not a well-established mechanism of disease; Has not been previously published as pathogenic or benign to our knowledge

NM_001394062.1(MACF1):c.19915C>T (p.Arg6639Ter)

Gene: MACF1 (microtubule actin crosslinking factor 1; plus strand). Cytogenetic location: 1p34.3.
Variant type: single nucleotide variant.
Coding change: c.19915C>T on transcript NM_001394062.1 (MANE Select); coding-DNA position 19915, C replaced by T.
Protein change: p.Arg6639Ter; replaces arginine 6639 with a stop codon.
Molecular consequence: nonsense.
Genome position (GRCh38, 1-based): chr1:39,447,845, C>T. VCF-style: chr1-39447845-C-T. GRCh37 (hg19) VCF-style: chr1-39913517-C-T.
Other names: c.7993C>T, p.Arg2665Ter (NM_001397473.1); c.13738C>T, p.Arg4580Ter (NM_012090.5); short protein forms R2665*, R4580*, R6639*.
Identifiers: ClinVar variation 3770099 (VCV003770099.1).
Genomic context (GRCh38, chr1:39,447,845, plus strand): 5'-GTTGTTCTGATCAAGAATTTGTTGGTGAGCGTGCAGTCTCGATGGGAGAAGGTTGTCCAG[C>T]GATCTATTGAAAGAGGGCGATCACTAGATGATGCCAGGAAGCGGGCAAAACAAGTAAGTT-3'